The following is an entry in ClinVar:

NM_018180.3(DHX32):c.379G>A (p.Ala127Thr)

Gene: DHX32 (DEAH-box helicase 32 (putative); minus strand). Cytogenetic location: 10q26.2.
Variant type: single nucleotide variant.
Coding change: c.379G>A on transcript NM_018180.3 (MANE Select); coding-DNA position 379, G replaced by A.
Protein change: p.Ala127Thr; replaces alanine 127 with threonine.
Molecular consequence: missense variant.
Genome position (GRCh38, 1-based): chr10:125,867,087, C>T on the plus strand (G>A on the coding strand, the complement: DHX32 is on the minus strand). VCF-style: chr10-125867087-C-T. GRCh37 (hg19) VCF-style: chr10-127555656-C-T.
Other names: short protein forms A127T.
Identifiers: ClinVar variation 1912561 (VCV001912561.5), dbSNP rs752780900, ClinGen allele CA5739470.
Genomic context (GRCh38, chr10:125,867,087, plus strand): 5'-GGATCACGTAGCCAACCTCATGACCAATGTTAACATCCATTTCATCCGCCACCCGCAGGG[C>T]GAGCTGGACCACAGTCTGCTTGTGGACCTGTGTGCATATCACGCCCCCGTGCTGGTAGTG-3'
Protein context (NP_060650.2, residues 117-137): QVHKQTVVQL[Ala127Thr]LRVADEMDVN

ClinVar aggregate classification (germline): Uncertain significance (1 of 4 stars; one submission).

Allele frequency attached by ClinVar (database versions not stated): gnomAD exomes below 0.00001; ExAC 0.00001; TOPMed 0.00001.
gnomAD v4.1: 4 of 1,614,228 alleles (0.00025%); highest among the groups gnomAD compares: East Asian, 0.0045%; no homozygotes.

Submission:

Labcorp Genetics (formerly Invitae), Labcorp
Classification: Uncertain significance. Last evaluated: 2024-02-17. Review status: criteria provided, single submitter. Criteria: Invitae Variant Classification Sherloc (09022015). Collection method: clinical testing. Allele origin: germline.
Comment: This sequence change replaces alanine, which is neutral and non-polar, with threonine, which is neutral and polar, at codon 127 of the DHX32 protein (p.Ala127Thr). This variant is present in population databases (rs752780900, gnomAD 0.01%). This variant has not been reported in the literature in individuals affected with DHX32-related conditions. ClinVar contains an entry for this variant (Variation ID: 1912561). An algorithm developed to predict the effect of missense changes on protein structure and function (PolyPhen-2) suggests that this variant is likely to be disruptive. In summary, the available evidence is currently insufficient to determine the role of this variant in disease. Therefore, it has been classified as a Variant of Uncertain Significance.